The following is an entry in ClinVar:

ClinVar aggregate classification (germline): Conflicting classifications of pathogenicity. Review status: criteria provided, conflicting classifications (1 of 4 stars). 3 submissions from 3 submitters: Uncertain significance (2); Likely benign (1). Last evaluated 2026-09-11.

Conditions:
Hypercholesterolemia, autosomal dominant, type B (FHCL2). Also called: Familial Hypercholesterolemia Type B; HYPERCHOLESTEROLEMIA, FAMILIAL, DUE TO LIGAND-DEFECTIVE APOLIPOPROTEIN B; Familial hypercholesterolemia 2; APOB-Related Familial Hypercholesterolemia, Autosomal Dominant; APOLIPOPROTEIN B-100, FAMILIAL DEFECTIVE; APOLIPOPROTEIN B-100, FAMILIAL LIGAND-DEFECTIVE. Identifiers: MedGen C1704417, MONDO:0007751, OMIM 144010.
Familial hypobetalipoproteinemia 1. Also called: Hypobetalipoproteinemia, normotriglyceridemic; Acanthocytosis with hypobetalipoproteinemia; APOB-Related Familial Hypobetalipoproteinemia. Identifiers: MedGen C4551990, MONDO:0014252, OMIM 615558.
Cardiovascular phenotype. Identifiers: MedGen CN230736.

Allele frequency attached by ClinVar (database versions not stated): gnomAD exomes 0.00001; TOPMed 0.00002.

Submissions (3):

Ambry Genetics
Classification: Uncertain significance for Cardiovascular phenotype. Last evaluated: 2026-09-11. Review status: criteria provided, single submitter. Criteria: Ambry Variant Classification Scheme 2023. Collection method: clinical testing. Allele origin: germline.
Comment: The p.Q1023H variant (also known as c.3069G>T), located in coding exon 20 of the APOB gene, results from a G to T substitution at nucleotide position 3069. The glutamine at codon 1023 is replaced by histidine, an amino acid with highly similar properties. This amino acid position is conserved. In addition, this alteration is predicted to be tolerated by in silico analysis. Based on the available evidence, the clinical significance of this variant remains unclear.

Labcorp Genetics (formerly Invitae), Labcorp
Classification: Likely benign for Familial hypobetalipoproteinemia 1; Hypercholesterolemia, autosomal dominant, type B. Last evaluated: 2023-11-15. Review status: criteria provided, single submitter. Criteria: Invitae Variant Classification Sherloc (09022015). Collection method: clinical testing. Allele origin: germline.

Institute of Human Genetics, University of Leipzig Medical Center
Classification: Uncertain significance for Hypercholesterolemia, autosomal dominant, type B. Last evaluated: 2019-01-01. Review status: criteria provided, single submitter. Criteria: ACMG Guidelines, 2015. Collection method: clinical testing. Allele origin: unknown. Affected: yes.

NM_000384.3(APOB):c.3069G>T (p.Gln1023His)

Gene: APOB (apolipoprotein B; minus strand). Cytogenetic location: 2p24.1.
Variant type: single nucleotide variant.
Coding change: c.3069G>T on transcript NM_000384.3 (MANE Select); coding-DNA position 3069, G replaced by T.
Protein change: p.Gln1023His; replaces glutamine 1023 with histidine.
Molecular consequence: missense variant.
Genome position (GRCh38, 1-based): chr2:21,019,044, C>A on the plus strand (G>T on the coding strand, the complement: APOB is on the minus strand). VCF-style: chr2-21019044-C-A. GRCh37 (hg19) VCF-style: chr2-21241916-C-A.
Other names: short protein forms Q1023H.
Identifiers: ClinVar variation 630013 (VCV000630013.11), dbSNP rs1364541592, ClinGen allele CA346009906.
Genomic context (GRCh38, chr2:21,019,044, plus strand): 5'-ATACTCACCTTCTGCTTGAGTTACAAACTTCAGGGTATCCACCAAGGCTCTGTCCTCTCT[C>A]TGGAGCTCATAGGTTGCGCTGACAGAATACTGCTCAATCTCTCCTGTAGGCCTCAGTTCC-3'
Protein context (NP_000375.3, residues 1013-1033): QYSVSATYEL[Gln1023His]REDRALVDTL